The following is an entry in ClinVar:

ClinVar aggregate classification (germline): Likely benign (1 of 4 stars; one submission).

gnomAD v4.1: 1 of 1,612,572 alleles (0.000062%); no homozygotes.

Submission:

CeGaT Center for Human Genetics Tuebingen
Classification: Likely benign. Last evaluated: 2024-11-01. Review status: criteria provided, single submitter. Criteria: CeGaT Center For Human Genetics Tuebingen Variant Classification Criteria Version 2. Collection method: clinical testing. Allele origin: germline. Affected: yes. Observed: 1 variant allele.
Comment: WDR62: BP4, BP7

NM_001083961.2(WDR62):c.2046C>T (p.Asp682=)

Gene: WDR62 (WD repeat domain 62; plus strand). Cytogenetic location: 19q13.12.
Variant type: single nucleotide variant.
Coding change: c.2046C>T on transcript NM_001083961.2 (MANE Select); coding-DNA position 2046, C replaced by T.
Protein change: p.Asp682=; no amino-acid change (aspartic acid 682 retained).
Molecular consequence: synonymous variant.
Genome position (GRCh38, 1-based): chr19:36,091,211, C>T. VCF-style: chr19-36091211-C-T. GRCh37 (hg19) VCF-style: chr19-36582113-C-T.
Other names: c.2031C>T, p.Asp677= (NM_001411145.1); c.2046C>T, p.Asp682= (NM_001411146.1, NM_173636.5); c.1695C>T, p.Asp565= (NM_001411147.1).
Identifiers: ClinVar variation 3390120 (VCV003390120.14).